The following is an entry in ClinVar:

ClinVar aggregate classification (germline): Uncertain significance. Review status: criteria provided, multiple submitters, no conflicts (2 of 4 stars). 2 submissions from 2 submitters: Uncertain significance (2). Last evaluated 2025-09-28.

Conditions:
Inborn genetic diseases. Identifiers: MedGen C0950123, MeSH D030342.

gnomAD v4.1: 2 of 1,614,068 alleles (0.00012%); highest among the groups gnomAD compares: African/African-American, 0.0027%; no homozygotes.

Submissions (2):

Ambry Genetics
Classification: Uncertain significance for Inborn genetic diseases. Last evaluated: 2025-09-28. Review status: criteria provided, single submitter. Criteria: Ambry Variant Classification Scheme 2023. Collection method: clinical testing. Allele origin: germline.

Labcorp Genetics (formerly Invitae), Labcorp
Classification: Uncertain significance. Last evaluated: 2024-08-14. Review status: criteria provided, single submitter. Criteria: Invitae Variant Classification Sherloc (09022015). Collection method: clinical testing. Allele origin: germline.
Comment: This sequence change replaces tyrosine, which is neutral and polar, with histidine, which is basic and polar, at codon 152 of the NCSTN protein (p.Tyr152His). This variant is present in population databases (rs754413509, gnomAD 0.007%). This variant has not been reported in the literature in individuals affected with NCSTN-related conditions. An algorithm developed to predict the effect of missense changes on protein structure and function (PolyPhen-2) suggests that this variant is likely to be tolerated. In summary, the available evidence is currently insufficient to determine the role of this variant in disease. Therefore, it has been classified as a Variant of Uncertain Significance.

NM_015331.3(NCSTN):c.454T>C (p.Tyr152His)

Gene: NCSTN (nicastrin; plus strand). Cytogenetic location: 1q23.2.
Variant type: single nucleotide variant.
Coding change: c.454T>C on transcript NM_015331.3 (MANE Select); coding-DNA position 454, T replaced by C.
Protein change: p.Tyr152His; replaces tyrosine 152 with histidine.
Molecular consequence: missense variant.
Genome position (GRCh38, 1-based): chr1:160,350,122, T>C. VCF-style: chr1-160350122-T-C. GRCh37 (hg19) VCF-style: chr1-160319912-T-C.
Other names: c.394T>C, p.Tyr132His (NM_001290184.2); c.454T>C, p.Tyr152His (NM_001290186.2, NM_001349729.2); c.454T>C (NM_015331.2); short protein forms Y132H, Y152H.
Identifiers: ClinVar variation 3609856 (VCV003609856.3).